The following is an entry in ClinVar:

NM_000545.8(HNF1A):c.43G>T (p.Ala15Ser)

Gene: HNF1A (HNF1 homeobox A; plus strand). Cytogenetic location: 12q24.31.
Variant type: single nucleotide variant.
Coding change: c.43G>T on transcript NM_000545.8 (MANE Select); coding-DNA position 43, G replaced by T.
Protein change: p.Ala15Ser; replaces alanine 15 with serine.
Molecular consequence: missense variant.
Genome position (GRCh38, 1-based): chr12:120,978,811, G>T. VCF-style: chr12-120978811-G-T. GRCh37 (hg19) VCF-style: chr12-121416614-G-T.
Other names: c.43G>T, p.Ala15Ser (NM_001306179.2); short protein forms A15S.
Identifiers: ClinVar variation 915441 (VCV000915441.8), dbSNP rs1265717222, ClinGen allele CA386952479.

ClinVar aggregate classification (germline): Conflicting classifications of pathogenicity. Review status: criteria provided, conflicting classifications (1 of 4 stars). 2 submissions from 2 submitters: Likely pathogenic (1); Uncertain significance (1). Last evaluated 2022-02-15.

Conditions:
Type 2 diabetes mellitus. Also called: Type II diabetes mellitus. Identifiers: MedGen C0011860, MeSH D003924, MONDO:0005148, OMIM 125853, HP:0005978.

Submissions (2):

Labcorp Genetics (formerly Invitae), Labcorp
Classification: Uncertain significance. Last evaluated: 2022-02-15. Review status: criteria provided, single submitter. Criteria: Invitae Variant Classification Sherloc (09022015). Collection method: clinical testing. Allele origin: germline.
Comment: This variant is not present in population databases (gnomAD no frequency). This variant has not been reported in the literature in individuals affected with HNF1A-related conditions. ClinVar contains an entry for this variant (Variation ID: 915441). Advanced modeling of protein sequence and biophysical properties (such as structural, functional, and spatial information, amino acid conservation, physicochemical variation, residue mobility, and thermodynamic stability) performed at Invitae indicates that this missense variant is expected to disrupt HNF1A protein function. This sequence change replaces alanine, which is neutral and non-polar, with serine, which is neutral and polar, at codon 15 of the HNF1A protein (p.Ala15Ser). In summary, the available evidence is currently insufficient to determine the role of this variant in disease. Therefore, it has been classified as a Variant of Uncertain Significance.

Genomic Research Center, Shahid Beheshti University of Medical Sciences
Classification: Likely pathogenic for Diabetes mellitus type 2. Last evaluated: 2020-05-03. Review status: criteria provided, single submitter. Criteria: ACMG Guidelines, 2015. Collection method: clinical testing. Allele origin: unknown. Affected: yes.